The following is an entry in ClinVar:

ClinVar aggregate classification (germline): Uncertain significance. Review status: criteria provided, multiple submitters, no conflicts (2 of 4 stars). 2 submissions from 2 submitters: Uncertain significance (2). Last evaluated 2024-02-17.

Conditions:
Congenital dyserythropoietic anemia type type 1B (CDAN1B). Also called: CDA, TYPE Ib; C15ORF41-Related Congenital Dyserythropoietic Anemia; ANEMIA, CONGENITAL DYSERYTHROPOIETIC, TYPE Ib. Identifiers: Orphanet 98869, MedGen C3810185, MONDO:0014285, OMIM 615631.

gnomAD v4.1: 121 of 1,611,824 alleles (0.0075%); highest among the groups gnomAD compares: Non-Finnish European, 0.0094%; no homozygotes.

Submissions (2):

Labcorp Genetics (formerly Invitae), Labcorp
Classification: Uncertain significance. Last evaluated: 2024-02-17. Review status: criteria provided, single submitter. Criteria: Invitae Variant Classification Sherloc (09022015). Collection method: clinical testing. Allele origin: germline.
Comment: This sequence change replaces arginine, which is basic and polar, with tryptophan, which is neutral and slightly polar, at codon 101 of the C15orf41 protein (p.Arg101Trp). This variant is present in population databases (rs201835784, gnomAD 0.008%). This variant has not been reported in the literature in individuals affected with C15orf41-related conditions. Advanced modeling of protein sequence and biophysical properties (such as structural, functional, and spatial information, amino acid conservation, physicochemical variation, residue mobility, and thermodynamic stability) performed at Invitae indicates that this missense variant is expected to disrupt C15orf41 protein function with a positive predictive value of 80%. In summary, the available evidence is currently insufficient to determine the role of this variant in disease. Therefore, it has been classified as a Variant of Uncertain Significance.

Revvity Omics, Revvity
Classification: Uncertain significance for Congenital dyserythropoietic anemia type type 1B. Last evaluated: 2023-08-29. Review status: criteria provided, single submitter. Criteria: ACMG Guidelines, 2015. Collection method: clinical testing. Allele origin: germline.

NM_001321759.2(CDIN1):c.301C>T (p.Arg101Trp)

Gene: CDIN1 (CDAN1 interacting nuclease 1; plus strand). Cytogenetic location: 15q14.
Variant type: single nucleotide variant.
Coding change: c.301C>T on transcript NM_001321759.2 (MANE Select); coding-DNA position 301, C replaced by T.
Protein change: p.Arg101Trp; replaces arginine 101 with tryptophan.
Molecular consequence: missense variant. On other transcripts: 5 prime UTR variant (1).
Genome position (GRCh38, 1-based): chr15:36,657,860, C>T. VCF-style: chr15-36657860-C-T. GRCh37 (hg19) VCF-style: chr15-36950061-C-T.
Other names: c.301C>T, p.Arg101Trp (NM_001130010.3, NM_001290233.2, NM_001321760.2 and 1 more transcripts); c.7C>T, p.Arg3Trp (NM_001290232.2, NM_001321756.2, NM_032499.6); c.-103C>T (NM_001321757.2); c.190C>T, p.Arg64Trp (NM_001321758.2); short protein forms R101W, R3W, R64W.
Identifiers: ClinVar variation 3712634 (VCV003712634.3).